The following is an entry in ClinVar:

NM_139058.3(ARX):c.1001C>A (p.Thr334Lys)

Gene: ARX (aristaless related homeobox; minus strand). Cytogenetic location: Xp21.3.
Variant type: single nucleotide variant.
Coding change: c.1001C>A on transcript NM_139058.3 (MANE Select); coding-DNA position 1001, C replaced by A.
Protein change: p.Thr334Lys; replaces threonine 334 with lysine.
Molecular consequence: missense variant.
Genome position (GRCh38, 1-based): chrX:25,012,994, G>T on the plus strand (C>A on the coding strand, the complement: ARX is on the minus strand). VCF-style: chrX-25012994-G-T. GRCh37 (hg19) VCF-style: chrX-25031111-G-T.
Other names: short protein forms T334K.
Identifiers: ClinVar variation 3900567 (VCV003900567.1).

ClinVar aggregate classification (germline): Uncertain significance (1 of 4 stars; one submission).

Submission:

GeneDx
Classification: Uncertain significance. Last evaluated: 2024-11-20. Review status: criteria provided, single submitter. Criteria: GeneDx Variant Classification Process June 2021. Collection method: clinical testing. Allele origin: germline. Affected: yes.
Comment: In silico analysis supports that this missense variant has a deleterious effect on protein structure/function; Not observed at significant frequency in large population cohorts (gnomAD); Has not been previously published as pathogenic or benign to our knowledge; This variant is associated with the following publications: (PMID: 20300201)